The following is an entry in ClinVar:

ClinVar aggregate classification (germline): Uncertain significance. Review status: criteria provided, multiple submitters, no conflicts (2 of 4 stars). 2 submissions from 2 submitters: Uncertain significance (2). Last evaluated 2025-11-20.

Allele frequency attached by ClinVar (database versions not stated): ExAC 0.00001.
gnomAD v4.1: 96 of 1,614,028 alleles (0.0059%); highest among the groups gnomAD compares: Non-Finnish European, 0.008%; no homozygotes.

Submissions (2):

Ambry Genetics
Classification: Uncertain significance. Last evaluated: 2025-11-20. Review status: criteria provided, single submitter. Criteria: Ambry Variant Classification Scheme 2023. Collection method: clinical testing. Allele origin: germline.

Labcorp Genetics (formerly Invitae), Labcorp
Classification: Uncertain significance. Last evaluated: 2023-10-13. Review status: criteria provided, single submitter. Criteria: Invitae Variant Classification Sherloc (09022015). Collection method: clinical testing. Allele origin: germline.
Comment: This sequence change replaces isoleucine, which is neutral and non-polar, with leucine, which is neutral and non-polar, at codon 517 of the VPS33A protein (p.Ile517Leu). This variant is present in population databases (rs750798693, gnomAD 0.006%). This variant has not been reported in the literature in individuals affected with VPS33A-related conditions. ClinVar contains an entry for this variant (Variation ID: 2179402). Advanced modeling of protein sequence and biophysical properties (such as structural, functional, and spatial information, amino acid conservation, physicochemical variation, residue mobility, and thermodynamic stability) performed at Invitae indicates that this missense variant is not expected to disrupt VPS33A protein function. In summary, the available evidence is currently insufficient to determine the role of this variant in disease. Therefore, it has been classified as a Variant of Uncertain Significance.

NM_022916.6(VPS33A):c.1549A>C (p.Ile517Leu)

Gene: VPS33A (VPS33A core subunit of CORVET and HOPS complexes; minus strand). Cytogenetic location: 12q24.31.
Variant type: single nucleotide variant.
Coding change: c.1549A>C on transcript NM_022916.6 (MANE Select); coding-DNA position 1549, A replaced by C.
Protein change: p.Ile517Leu; replaces isoleucine 517 with leucine.
Molecular consequence: missense variant.
Genome position (GRCh38, 1-based): chr12:122,232,860, T>G on the plus strand (A>C on the coding strand, the complement: VPS33A is on the minus strand). VCF-style: chr12-122232860-T-G. GRCh37 (hg19) VCF-style: chr12-122717407-T-G.
Other names: c.1516A>C, p.Ile506Leu (NM_001351018.2); c.1501A>C, p.Ile501Leu (NM_001351019.2); c.1228A>C, p.Ile410Leu (NM_001351020.2); c.1549A>C (NM_022916.4); short protein forms I506L, I517L, I501L, I410L.
Identifiers: ClinVar variation 2179402 (VCV002179402.5), dbSNP rs750798693, ClinGen allele CA6844275.